The following is an entry in ClinVar:

NM_015087.5(SPART):c.*1799G>A

Gene: SPART (spartin; minus strand). Cytogenetic location: 13q13.3.
Variant type: single nucleotide variant.
Coding change: c.*1799G>A on transcript NM_015087.5 (MANE Select); 1799 bases downstream of the stop codon, G replaced by A.
Molecular consequence: 3 prime UTR variant.
Genome position (GRCh38, 1-based): chr13:36,302,566, C>T on the plus strand (G>A on the coding strand, the complement: SPART is on the minus strand). VCF-style: chr13-36302566-C-T. GRCh37 (hg19) VCF-style: chr13-36876703-C-T.
Other names: c.*1799G>A (NM_001142294.2, NM_001142295.2, NM_001142296.2).
Identifiers: ClinVar variation 311746 (VCV000311746.6), dbSNP rs9547190, ClinGen allele CA10643219.
Genomic context (GRCh38, chr13:36,302,566, plus strand): 5'-ACAGGTGGACATCTGGATTTAGCCCATGGAGGATATTTGCTGACCTCTGGTCAAAGCTAA[C>T]TGTTTAAAGTTTATGTTCCATTATTTGCCATTCCATTTCTTTTTAAATTTTTATGGGTAC-3'

ClinVar aggregate classification (germline): Likely benign. Review status: criteria provided, multiple submitters, no conflicts (2 of 4 stars). 2 submissions from 2 submitters: Likely benign (2). Last evaluated 2017-04-27.

Conditions:
Troyer syndrome (SPG20). Identifiers: Orphanet 101000, MedGen C0393559, MONDO:0010156, OMIM 275900.

Allele frequency attached by ClinVar (database versions not stated): gnomAD 0.23738 and 0.24338; TOPMed 0.24166; 1000 Genomes Project 30x 0.28264; 1000 Genomes Project 0.28674; gnomAD exomes 0.50000.
gnomAD v4.1: 37,008 of 152,084 alleles (24%); highest among the groups gnomAD compares: East Asian, 51%; 4,910 homozygotes.

Submissions (2):

Illumina Laboratory Services, Illumina
Classification: Likely benign for Troyer syndrome. Last evaluated: 2017-04-27. Review status: criteria provided, single submitter. Criteria: ICSL Variant Classification Criteria 13 December 2019. Collection method: clinical testing. Allele origin: germline.
Comment: This variant was observed as part of a predisposition screen in an ostensibly healthy population. A literature search was performed for the gene, cDNA change, and amino acid change (where applicable). No publications were found based on this search. Allele frequency data from public databases allowed determination this variant is unlikely to cause disease. Therefore, this variant is classified as likely benign.

Breakthrough Genomics
Classification: Likely benign. Review status: criteria provided, single submitter. Criteria: ACMG Guidelines, 2015. Collection method: not provided. Allele origin: germline. Inheritance: Autosomal recessive inheritance. Affected: yes.